The following is an entry in ClinVar:

NM_000051.4(ATM):c.1132A>G (p.Ser378Gly)

Gene: ATM (ATM serine/threonine kinase; plus strand). Cytogenetic location: 11q22.3.
Variant type: single nucleotide variant.
Coding change: c.1132A>G on transcript NM_000051.4 (MANE Select); coding-DNA position 1132, A replaced by G.
Protein change: p.Ser378Gly; replaces serine 378 with glycine.
Molecular consequence: missense variant.
Genome position (GRCh38, 1-based): chr11:108,248,999, A>G. VCF-style: chr11-108248999-A-G. GRCh37 (hg19) VCF-style: chr11-108119726-A-G.
Other names: p.S378G:AGT>GGT; c.1132A>G, p.Ser378Gly (NM_001351834.2); short protein forms S378G.
Identifiers: ClinVar variation 127330 (VCV000127330.16), dbSNP rs587779811, ClinGen allele CA286711.
Genomic context (GRCh38, chr11:108,248,999, plus strand): 5'-AATGAAGATACCAGATCCTTGGAGATTTCTCAATCTTACACTACTACACAAAGAGAATCT[A>G]GTGATTACAGTGTCCCTTGCAAAAGGAAGAAAATAGAACTAGGCTGGGAAGTAATAAAAG-3'
Protein context (NP_000042.3, residues 368-388): QSYTTTQRES[Ser378Gly]DYSVPCKRKK

ClinVar aggregate classification (germline): Conflicting classifications of pathogenicity. Review status: criteria provided, conflicting classifications (1 of 4 stars). 5 submissions from 5 submitters: Uncertain significance (3); Likely benign (2). Last evaluated 2025-12-23.

Conditions:
Hereditary cancer-predisposing syndrome. Also called: Tumor predisposition; Hereditary Cancer Syndrome; Neoplastic Syndromes, Hereditary; Hereditary neoplastic syndrome. Identifiers: Orphanet 140162, MedGen C0027672, MeSH D009386, MONDO:0015356.
Ataxia-telangiectasia syndrome (AT). Also called: LOUIS-BAR SYNDROME; Cerebello-oculocutaneous telangiectasia; Immunodeficiency with ataxia telangiectasia; ATAXIA-TELANGIECTASIA, COMPLEMENTATION GROUP A; ATAXIA-TELANGIECTASIA, FRESNO VARIANT; Ataxia-telangiectasia. Identifiers: Orphanet 100, MedGen C0004135, MONDO:0008840, OMIM 208900.

Allele frequency attached by ClinVar (database versions not stated): gnomAD exomes below 0.00001 and 0.00003; gnomAD 0.00001; TOPMed 0.00001.
gnomAD v4.1: 38 of 1,613,032 alleles (0.0024%); highest among the groups gnomAD compares: Non-Finnish European, 0.0032%; no homozygotes.

Submissions (5):

Labcorp Genetics (formerly Invitae), Labcorp
Classification: Uncertain significance for Ataxia-telangiectasia syndrome. Last evaluated: 2025-12-23. Review status: criteria provided, single submitter. Criteria: Invitae Variant Classification Sherloc (09022015). Collection method: clinical testing. Allele origin: germline.
Comment: This sequence change replaces serine, which is neutral and polar, with glycine, which is neutral and non-polar, at codon 378 of the ATM protein (p.Ser378Gly). This variant is present in population databases (rs587779811, gnomAD 0.0009%). This missense change has been observed in individual(s) with breast cancer and/or melanoma (PMID: 17393301, 19781682, 25318351, 34262154). ClinVar contains an entry for this variant (Variation ID: 127330). Invitae Evidence Modeling of protein sequence and biophysical properties (such as structural, functional, and spatial information, amino acid conservation, physicochemical variation, residue mobility, and thermodynamic stability) indicates that this missense variant is not expected to disrupt ATM protein function with a negative predictive value of 95%. RNA analysis performed to evaluate the impact of this missense change on mRNA splicing indicates it does not significantly alter splicing (internal data). In summary, the available evidence is currently insufficient to determine the role of this variant in disease. Therefore, it has been classified as a Variant of Uncertain Significance.

Color Diagnostics, LLC DBA Color Health
Classification: Likely benign for Hereditary cancer-predisposing syndrome. Last evaluated: 2024-09-19. Review status: criteria provided, single submitter. Criteria: ACMG Guidelines, 2015. Collection method: clinical testing. Allele origin: germline.

Women's Health and Genetics/Laboratory Corporation of America, LabCorp
Classification: Uncertain significance. Last evaluated: 2023-11-22. Review status: criteria provided, single submitter. Criteria: LabCorp Variant Classification Summary - May 2015. Collection method: clinical testing. Allele origin: germline.
Comment: Variant summary: ATM c.1132A>G (p.Ser378Gly) results in a non-conservative amino acid change in the encoded protein sequence. Four of five in-silico tools predict a benign effect of the variant on protein function. The variant allele was found at a frequency of 4e-06 in 251266 control chromosomes. The available data on variant occurrences in the general population are insufficient to allow any conclusion about variant significance. c.1132A>G has been reported in the literature in individuals affected with breast cancer and melanoma (example, Tavtigian_2009, Dalmasso_2021, Dorling_2021), without strong evidence for causality. These report(s) do not provide unequivocal conclusions about association of the variant with Prostate Cancer or other ATM-related diseases. To our knowledge, no experimental evidence demonstrating an impact on protein function has been reported. The following publications have been ascertained in the context of this evaluation (PMID: 34262154, 19781682, 33471991). Four submitters have cited clinical-significance assessments for this variant to ClinVar after 2014. Multiple submitters reported the variant with conflicting assessments (VUS, n=2, Likely benign, n=2). Based on the evidence outlined above, the variant was classified as uncertain significance.

Ambry Genetics
Classification: Likely benign for Hereditary cancer-predisposing syndrome. Last evaluated: 2017-07-28. Review status: criteria provided, single submitter. Criteria: Ambry Variant Classification Scheme 2023. Collection method: clinical testing. Allele origin: germline.

GeneDx
Classification: Uncertain significance. Last evaluated: 2017-02-03. Review status: criteria provided, single submitter. Criteria: GeneDx Variant Classification (06012015). Collection method: clinical testing. Allele origin: germline. Affected: yes.
Comment: This variant is denoted ATM c.1132A>G at the cDNA level, p.Ser378Gly (S378G) at the protein level, and results in the change of a Serine to a Glycine (AGT>GGT). ATM Ser378Gly was not observed in approximately 6,500 individuals of European and African American ancestry in the NHLBI Exome Sequencing Project, indicating it is not a common benign variant in these populations. Since Serine and Glycine differ in polarity, charge, size or other properties, this is considered a non-conservative amino acid substitution. ATM Ser378Gly occurs at a position that is not conserved and is not located in a known functional domain. In silico analyses predict that this variant is unlikely to alter protein structure or function. Based on currently available information, it is unclear whether ATM Ser378Gly is pathogenic or benign. We consider it to be a variant of uncertain significance.

Literature cited by the submitters: PubMed 17393301 (cited by Labcorp Genetics (formerly Invitae), Labcorp); PubMed 19781682 (cited by Labcorp Genetics (formerly Invitae), Labcorp and Women's Health and Genetics/Laboratory Corporation of America, LabCorp); PubMed 25318351 (cited by Labcorp Genetics (formerly Invitae), Labcorp); PubMed 34262154 (cited by Labcorp Genetics (formerly Invitae), Labcorp and Women's Health and Genetics/Laboratory Corporation of America, LabCorp); PubMed 33471991 (cited by Women's Health and Genetics/Laboratory Corporation of America, LabCorp).